The following is an entry in ClinVar:

ClinVar aggregate classification (germline): Uncertain significance. Review status: criteria provided, multiple submitters, no conflicts (2 of 4 stars). 2 submissions from 2 submitters: Uncertain significance (2). Last evaluated 2025-10-21.

Allele frequency attached by ClinVar (database versions not stated): gnomAD exomes 0.00001.

Submissions (2):

Women's Health and Genetics/Laboratory Corporation of America, LabCorp
Classification: Uncertain significance. Last evaluated: 2025-10-21. Review status: criteria provided, single submitter. Criteria: LabCorp Variant Classification Summary - May 2015. Collection method: clinical testing. Allele origin: germline.
Comment: Variant summary: TTN NM_133378 c.72904C>A (p.Pro24302Thr), also known as NM_001267550 c.80608C>A (p.Pro26870Thr), results in a non-conservative amino acid change in the encoded protein sequence. Algorithms developed to predict the effect of missense changes on protein structure and function all suggest that this variant is likely to be disruptive. The variant allele was found at a frequency of 8e-06 in 248882 control chromosomes. The available data on variant occurrences in the general population are insufficient to allow any conclusion about variant significance. To our knowledge, no occurrence of c.72904C>A in individuals affected with TTN-related conditions and no experimental evidence demonstrating its impact on protein function have been reported. ClinVar contains an entry for this variant (Variation ID: 47389). Based on the evidence outlined above, the variant was classified as uncertain significance.

Laboratory for Molecular Medicine, Mass General Brigham Personalized Medicine
Classification: Uncertain significance. Last evaluated: 2012-01-03. Review status: criteria provided, single submitter. Criteria: LMM Criteria. Collection method: clinical testing. Allele origin: germline. Observed: 1 variant allele.
Comment: The Pro24302Thr variant (TTN) has not been previously reported nor previously id entified by our laboratory. Proline (Pro) at position 24302 is highly conserved in mammals and across evolutionarily distant species, increasing the likelihood that a change would not be tolerated. Computational predictions on the impact to the protein are mixed (AlignGVGD = benign, SIFT = pathogenic), though the accur acy of these tools is unknown. Additional information is needed to fully assess the clinical significance of the Pro24302Thr variant.

NM_001267550.2(TTN):c.80608C>A (p.Pro26870Thr)

Genes: TTN (titin; minus strand), TTN-AS1 (TTN antisense RNA 1; plus strand). Cytogenetic location: 2q31.2.
Variant type: single nucleotide variant.
Coding change: c.80608C>A on transcript NM_001267550.2 (MANE Select); coding-DNA position 80608, C replaced by A.
Protein change: p.Pro26870Thr; replaces proline 26870 with threonine.
Molecular consequence: missense variant.
Genome position (GRCh38, 1-based): chr2:178,565,524, G>T on the plus strand (C>A on the coding strand, the complement: TTN is on the minus strand). VCF-style: chr2-178565524-G-T. GRCh37 (hg19) VCF-style: chr2-179430251-G-T.
Other names: c.75685C>A, p.Pro25229Thr (NM_001256850.1); c.53413C>A, p.Pro17805Thr (NM_003319.4); c.53788C>A, p.Pro17930Thr (NM_133432.3); c.53989C>A, p.Pro17997Thr (NM_133437.4); c.72904C>A, p.Pro24302Thr (NM_133378.4); short protein forms P26870T, P24302T, P17930T, P17805T, P17997T, P25229T.
Identifiers: ClinVar variation 47389 (VCV000047389.6), dbSNP rs397517718, ClinGen allele CA140869.